The following is an entry in ClinVar:

NM_006088.6(TUBB4B):c.169G>A (p.Gly57Ser)

Gene: TUBB4B (tubulin beta 4B class IVb; plus strand). Cytogenetic location: 9q34.3.
Variant type: single nucleotide variant.
Coding change: c.169G>A on transcript NM_006088.6 (MANE Select); coding-DNA position 169, G replaced by A.
Protein change: p.Gly57Ser; replaces glycine 57 with serine.
Molecular consequence: missense variant.
Genome position (GRCh38, 1-based): chr9:137,241,913, G>A. VCF-style: chr9-137241913-G-A. GRCh37 (hg19) VCF-style: chr9-140136365-G-A.
Other names: short protein forms G57S.
Identifiers: ClinVar variation 2919559 (VCV002919559.3), dbSNP rs749971588, ClinGen allele CA5365242.

ClinVar aggregate classification (germline): Uncertain significance (1 of 4 stars; one submission).

Allele frequency attached by ClinVar (database versions not stated): TOPMed below 0.00001; gnomAD 0.00001; gnomAD exomes 0.00001.
gnomAD v4.1: 10 of 1,610,878 alleles (0.00062%); highest among the groups gnomAD compares: Non-Finnish European, 0.00076%; no homozygotes.

Submission:

Labcorp Genetics (formerly Invitae), Labcorp
Classification: Uncertain significance. Last evaluated: 2023-12-22. Review status: criteria provided, single submitter. Criteria: Invitae Variant Classification Sherloc (09022015). Collection method: clinical testing. Allele origin: germline.
Comment: This sequence change replaces glycine, which is neutral and non-polar, with serine, which is neutral and polar, at codon 57 of the TUBB4B protein (p.Gly57Ser). The frequency data for this variant in the population databases is considered unreliable, as metrics indicate poor data quality at this position in the gnomAD database. This variant has not been reported in the literature in individuals affected with TUBB4B-related conditions. An algorithm developed to predict the effect of missense changes on protein structure and function (PolyPhen-2) suggests that this variant is likely to be tolerated. Algorithms developed to predict the effect of sequence changes on RNA splicing suggest that this variant may create or strengthen a splice site. In summary, the available evidence is currently insufficient to determine the role of this variant in disease. Therefore, it has been classified as a Variant of Uncertain Significance.